The following is an entry in ClinVar:

ClinVar aggregate classification (germline): Likely benign. Review status: criteria provided, multiple submitters, no conflicts (2 of 4 stars). 3 submissions from 3 submitters: Likely benign (3). Last evaluated 2025-10-08.

Conditions:
SLC4A1-related disorder. Also called: SLC4A1-related disorders; SLC4A1-related condition.

Allele frequency attached by ClinVar (database versions not stated): TOPMed 0.00003; gnomAD 0.00006; ESP Exome Variant Server 0.00008; ExAC 0.00011; 1000 Genomes Project 30x 0.00016; 1000 Genomes Project 0.00020.
gnomAD v4.1: 73 of 1,614,088 alleles (0.0045%); highest among the groups gnomAD compares: South Asian, 0.035%; no homozygotes.

Submissions (3):

PreventionGenetics, part of Exact Sciences
Classification: Likely benign for SLC4A1-related condition. Last evaluated: 2025-10-08. Review status: criteria provided, single submitter. Criteria: ACMG Guidelines, 2015. Collection method: clinical testing. Allele origin: germline.
Comment: This variant is classified as likely benign based on ACMG/AMP sequence variant interpretation guidelines (Richards et al. 2015 PMID: 25741868, with internal and published modifications).

Mayo Clinic Laboratories, Mayo Clinic
Classification: Likely benign. Last evaluated: 2025-09-16. Review status: criteria provided, single submitter. Criteria: ACMG Guidelines, 2015. Collection method: clinical testing. Allele origin: germline. Observed: 2 variant alleles.
Comment: BP4, BP7

Labcorp Genetics (formerly Invitae), Labcorp
Classification: Likely benign. Last evaluated: 2025-08-21. Review status: criteria provided, single submitter. Criteria: Invitae Variant Classification Sherloc (09022015). Collection method: clinical testing. Allele origin: germline.

NM_000342.4(SLC4A1):c.2001C>T (p.Ser667=)

Gene: SLC4A1 (solute carrier family 4 member 1 (Diego blood group); minus strand). Cytogenetic location: 17q21.31.
Variant type: single nucleotide variant.
Coding change: c.2001C>T on transcript NM_000342.4 (MANE Select); coding-DNA position 2001, C replaced by T.
Protein change: p.Ser667=; no amino-acid change (serine 667 retained).
Molecular consequence: synonymous variant.
Genome position (GRCh38, 1-based): chr17:44,254,552, G>A on the plus strand (C>T on the coding strand, the complement: SLC4A1 is on the minus strand). VCF-style: chr17-44254552-G-A. GRCh37 (hg19) VCF-style: chr17-42331920-G-A.
Other names: p.Ser667=; c.2001C>T (NM_000342.3).
Identifiers: ClinVar variation 2068741 (VCV002068741.6), dbSNP rs375213766, ClinGen allele CA8600149.